The following is an entry in ClinVar:

ClinVar aggregate classification (germline): Uncertain significance (1 of 4 stars; one submission).

Conditions:
Progressive familial heart block type IB (PFHB1B). Identifiers: Orphanet 871, MedGen C1970298, MONDO:0011474, OMIM 604559.

Submission:

Labcorp Genetics (formerly Invitae), Labcorp
Classification: Uncertain significance for Progressive familial heart block type IB. Last evaluated: 2024-06-10. Review status: criteria provided, single submitter. Criteria: Invitae Variant Classification Sherloc (09022015). Collection method: clinical testing. Allele origin: germline.
Comment: This sequence change affects a donor splice site in intron 8 of the TRPM4 gene. It is expected to disrupt RNA splicing. Variants that disrupt the donor or acceptor splice site typically lead to a loss of protein function (PMID: 16199547), however the current clinical and genetic evidence is not sufficient to establish whether loss-of-function variants in TRPM4 cause disease. This variant is not present in population databases (gnomAD no frequency). This variant has not been reported in the literature in individuals affected with TRPM4-related conditions. ClinVar contains an entry for this variant (Variation ID: 1037844). Algorithms developed to predict the effect of sequence changes on RNA splicing suggest that this variant may disrupt the consensus splice site. In summary, the available evidence is currently insufficient to determine the role of this variant in disease. Therefore, it has been classified as a Variant of Uncertain Significance.

Literature cited by the submitters: PubMed 16199547.

NM_017636.4(TRPM4):c.1050+2T>G

Gene: TRPM4 (transient receptor potential cation channel subfamily M member 4; plus strand). Cytogenetic location: 19q13.33.
Variant type: single nucleotide variant.
Coding change: c.1050+2T>G on transcript NM_017636.4 (MANE Select); the canonical splice donor site of the intron after coding-DNA position 1050, T replaced by G.
Molecular consequence: splice donor variant.
Genome position (GRCh38, 1-based): chr19:49,171,771, T>G. VCF-style: chr19-49171771-T-G. GRCh37 (hg19) VCF-style: chr19-49675028-T-G.
Other names: c.1050+2T>G (NM_001195227.2); c.-504+2T>G (NM_001321282.2); c.705+2T>G (NM_001321281.2); c.528+2T>G (NM_001321283.2); c.201+2T>G (NM_001321285.2).
Identifiers: ClinVar variation 1037844 (VCV001037844.7), dbSNP rs1967469789, ClinGen allele CA406794909.